The following is an entry in ClinVar:

ClinVar aggregate classification (germline): Uncertain significance (1 of 4 stars; one submission).

Conditions:
RYR1-related disorder. Also called: RYR1-related condition; RYR1-related disorders. Identifiers: MedGen CN239331.

Submission:

Labcorp Genetics (formerly Invitae), Labcorp
Classification: Uncertain significance for RYR1-related disorder. Last evaluated: 2022-08-27. Review status: criteria provided, single submitter. Criteria: Invitae Variant Classification Sherloc (09022015). Collection method: clinical testing. Allele origin: germline.
Comment: In summary, the available evidence is currently insufficient to determine the role of this variant in disease. Therefore, it has been classified as a Variant of Uncertain Significance. Advanced modeling of protein sequence and biophysical properties (such as structural, functional, and spatial information, amino acid conservation, physicochemical variation, residue mobility, and thermodynamic stability) performed at Invitae indicates that this missense variant is expected to disrupt RYR1 protein function. This variant has not been reported in the literature in individuals affected with RYR1-related conditions. This variant is not present in population databases (gnomAD no frequency). This sequence change replaces aspartic acid, which is acidic and polar, with glycine, which is neutral and non-polar, at codon 590 of the RYR1 protein (p.Asp590Gly).

NM_000540.3(RYR1):c.1769A>G (p.Asp590Gly)

Gene: RYR1 (ryanodine receptor 1; plus strand). Cytogenetic location: 19q13.2.
Variant type: single nucleotide variant.
Coding change: c.1769A>G on transcript NM_000540.3 (MANE Select); coding-DNA position 1769, A replaced by G.
Protein change: p.Asp590Gly; replaces aspartic acid 590 with glycine.
Molecular consequence: missense variant.
Genome position (GRCh38, 1-based): chr19:38,455,729, A>G. VCF-style: chr19-38455729-A-G. GRCh37 (hg19) VCF-style: chr19-38946369-A-G.
Other names: c.1769A>G, p.Asp590Gly (NM_001042723.2); short protein forms D590G.
Identifiers: ClinVar variation 1968850 (VCV001968850.5), dbSNP rs2514028247, ClinGen allele CA405691779.